The following is an entry in ClinVar:

ClinVar aggregate classification (germline): Conflicting classifications of pathogenicity. Review status: criteria provided, conflicting classifications (1 of 4 stars). 7 submissions from 6 submitters: Uncertain significance (3); Likely benign (4). Last evaluated 2026-08-01.

Conditions:
HSPG2-related disorder. Also called: HSPG2-related disorders; HSPG2-related condition.
Schwartz-Jampel syndrome. Also called: Myotonic myopathy dwarfism chondrodystrophy and ocular and facial abnormalities. Identifiers: Orphanet 800, MedGen C0036391, MONDO:0009717.
Lethal Kniest-like syndrome (DDSH). Also called: Dyssegmental Dysplasia. Identifiers: Orphanet 1865, MedGen C1857100, MONDO:0009140, OMIM 224410.

Allele frequency attached by ClinVar (database versions not stated): TOPMed 0.00009; 1000 Genomes Project 30x 0.00031; 1000 Genomes Project 0.00040.
gnomAD v4.1: 62 of 1,613,978 alleles (0.0038%); highest among the groups gnomAD compares: African/African-American, 0.032%; no homozygotes.

Submissions (7):

CeGaT Center for Human Genetics Tuebingen
Classification: Likely benign. Last evaluated: 2026-08-01. Review status: criteria provided, single submitter. Criteria: CeGaT Center For Human Genetics Tuebingen Variant Classification Criteria Version 2. Collection method: clinical testing. Allele origin: germline. Affected: yes. Observed: 1 variant allele.
Comment: HSPG2: BP4, BP7

PreventionGenetics, part of Exact Sciences
Classification: Likely benign for HSPG2-related condition. Last evaluated: 2025-04-28. Review status: criteria provided, single submitter. Criteria: ACMG Guidelines, 2015. Collection method: clinical testing. Allele origin: germline.
Comment: This variant is classified as likely benign based on ACMG/AMP sequence variant interpretation guidelines (Richards et al. 2015 PMID: 25741868, with internal and published modifications).

Labcorp Genetics (formerly Invitae), Labcorp
Classification: Likely benign. Last evaluated: 2025-04-16. Review status: criteria provided, single submitter. Criteria: Invitae Variant Classification Sherloc (09022015). Collection method: clinical testing. Allele origin: germline.

Blueprint Genetics
Classification: Likely benign. Last evaluated: 2024-09-20. Review status: criteria provided, single submitter. Criteria: ACMG Guidelines, 2015. Collection method: clinical testing. Allele origin: germline.

Illumina Laboratory Services, Illumina
Classification: Uncertain significance for Lethal Kniest-like syndrome. Last evaluated: 2018-01-12. Review status: criteria provided, single submitter. Criteria: ICSL Variant Classification Criteria 13 December 2019. Collection method: clinical testing. Allele origin: germline.

Illumina Laboratory Services, Illumina
Classification: Uncertain significance for Schwartz-Jampel syndrome type 1. Last evaluated: 2018-01-12. Review status: criteria provided, single submitter. Criteria: ICSL Variant Classification Criteria 13 December 2019. Collection method: clinical testing. Allele origin: germline.

Breakthrough Genomics
Classification: Uncertain significance. Review status: criteria provided, single submitter. Criteria: ACMG Guidelines, 2015. Collection method: not provided. Allele origin: germline. Inheritance: Autosomal recessive inheritance. Affected: yes.

NM_005529.7(HSPG2):c.8151C>A (p.Ala2717=)

Gene: HSPG2 (heparan sulfate proteoglycan 2; minus strand). Cytogenetic location: 1p36.12.
Variant type: single nucleotide variant.
Coding change: c.8151C>A on transcript NM_005529.7 (MANE Select); coding-DNA position 8151, C replaced by A.
Protein change: p.Ala2717=; no amino-acid change (alanine 2717 retained).
Molecular consequence: synonymous variant.
Genome position (GRCh38, 1-based): chr1:21,847,367, G>T on the plus strand (C>A on the coding strand, the complement: HSPG2 is on the minus strand). VCF-style: chr1-21847367-G-T. GRCh37 (hg19) VCF-style: chr1-22173860-G-T.
Other names: c.8154C>A, p.Ala2718= (NM_001291860.2); c.8151C>A (NM_005529.6).
Identifiers: ClinVar variation 876040 (VCV000876040.15), dbSNP rs140067347, ClinGen allele CA670910.